The following is an entry in ClinVar:

NM_006767.4(LZTR1):c.973C>T (p.Gln325Ter)

Gene: LZTR1 (leucine zipper like post translational regulator 1; plus strand). Cytogenetic location: 22q11.21.
Variant type: single nucleotide variant.
Coding change: c.973C>T on transcript NM_006767.4 (MANE Select); coding-DNA position 973, C replaced by T.
Protein change: p.Gln325Ter; replaces glutamine 325 with a stop codon.
Molecular consequence: nonsense.
Genome position (GRCh38, 1-based): chr22:20,991,809, C>T. VCF-style: chr22-20991809-C-T. GRCh37 (hg19) VCF-style: chr22-21346098-C-T.
Other names: short protein forms Q325*.
Identifiers: ClinVar variation 3623988 (VCV003623988.2).

ClinVar aggregate classification (germline): Pathogenic (1 of 4 stars; one submission).

Submission:

Labcorp Genetics (formerly Invitae), Labcorp
Classification: Pathogenic. Last evaluated: 2024-08-31. Review status: criteria provided, single submitter. Criteria: Invitae Variant Classification Sherloc (09022015). Collection method: clinical testing. Allele origin: germline.
Comment: This sequence change creates a premature translational stop signal (p.Gln325*) in the LZTR1 gene. It is expected to result in an absent or disrupted protein product. Loss-of-function variants in LZTR1 are known to be pathogenic (PMID: 24362817, 25335493, 25480913, 25795793, 29469822, 30368668, 30442762, 30442766, 30481304, 30859559). This variant is not present in population databases (gnomAD no frequency). This variant has not been reported in the literature in individuals affected with LZTR1-related conditions. For these reasons, this variant has been classified as Pathogenic.

Literature cited by the submitters: PubMed 24362817; PubMed 25335493; PubMed 25480913; PubMed 25795793; PubMed 29469822; PubMed 30368668; PubMed 30442762; PubMed 30442766; PubMed 30481304; PubMed 30859559.